The following is an entry in ClinVar:

ClinVar aggregate classification (germline): Uncertain significance (1 of 4 stars; one submission).

gnomAD v4.1: 13 of 1,613,618 alleles (0.00081%); highest among the groups gnomAD compares: African/African-American, 0.0027%; no homozygotes.

Submission:

GeneDx
Classification: Uncertain significance. Last evaluated: 2024-06-25. Review status: criteria provided, single submitter. Criteria: GeneDx Variant Classification Process June 2021. Collection method: clinical testing. Allele origin: germline. Affected: yes.
Comment: Not observed at significant frequency in large population cohorts (gnomAD); In silico analysis supports that this missense variant has a deleterious effect on protein structure/function; Has not been previously published as pathogenic or benign to our knowledge

NM_001692.4(ATP6V1B1):c.166C>T (p.Arg56Trp)

Genes: ATP6V1B1 (ATPase H+ transporting V1 subunit B1; plus strand), ATP6V1B1-AS1 (ATP6V1B1 antisense RNA 1; minus strand). Cytogenetic location: 2p13.3.
Variant type: single nucleotide variant.
Coding change: c.166C>T on transcript NM_001692.4 (MANE Select); coding-DNA position 166, C replaced by T.
Protein change: p.Arg56Trp; replaces arginine 56 with tryptophan.
Molecular consequence: missense variant.
Genome position (GRCh38, 1-based): chr2:70,943,705, C>T. VCF-style: chr2-70943705-C-T. GRCh37 (hg19) VCF-style: chr2-71170835-C-T.
Other names: short protein forms R56W.
Identifiers: ClinVar variation 3392787 (VCV003392787.1).